The following is an entry in ClinVar:

ClinVar aggregate classification (germline): Uncertain significance (1 of 4 stars; one submission).

Conditions:
Congenital myasthenic syndrome 12 (CMS12). Also called: Myasthenia, congenital, 12, with tubular aggregates; MYASTHENIC SYNDROME, CONGENITAL, WITH TUBULAR AGGREGATES 1. Identifiers: Orphanet 353327, Orphanet 590, MedGen C3552335, MONDO:0012518, OMIM 610542.

Submission:

Labcorp Genetics (formerly Invitae), Labcorp
Classification: Uncertain significance for Congenital myasthenic syndrome 12. Last evaluated: 2023-10-13. Review status: criteria provided, single submitter. Criteria: Invitae Variant Classification Sherloc (09022015). Collection method: clinical testing. Allele origin: germline.
Comment: This sequence change replaces histidine, which is basic and polar, with proline, which is neutral and non-polar, at codon 74 of the GFPT1 protein (p.His74Pro). This variant is not present in population databases (gnomAD no frequency). This missense change has been observed in individual(s) with congenital myasthenic syndrome (PMID: 30653653). ClinVar contains an entry for this variant (Variation ID: 1047057). An algorithm developed to predict the effect of missense changes on protein structure and function (PolyPhen-2) suggests that this variant is likely to be tolerated. In summary, the available evidence is currently insufficient to determine the role of this variant in disease. Therefore, it has been classified as a Variant of Uncertain Significance.

Literature cited by the submitters: PubMed 30653653.

NM_001244710.2(GFPT1):c.221A>C (p.His74Pro)

Gene: GFPT1 (glutamine--fructose-6-phosphate transaminase 1; minus strand). Cytogenetic location: 2p13.3.
Variant type: single nucleotide variant.
Coding change: c.221A>C on transcript NM_001244710.2 (MANE Select); coding-DNA position 221, A replaced by C.
Protein change: p.His74Pro; replaces histidine 74 with proline.
Molecular consequence: missense variant.
Genome position (GRCh38, 1-based): chr2:69,370,003, T>G on the plus strand (A>C on the coding strand, the complement: GFPT1 is on the minus strand). VCF-style: chr2-69370003-T-G. GRCh37 (hg19) VCF-style: chr2-69597135-T-G.
Other names: c.221A>C, p.His74Pro (NM_002056.4); short protein forms H74P.
Identifiers: ClinVar variation 1047057 (VCV001047057.8), dbSNP rs1671705543, ClinGen allele CA347134490.